The following is an entry in ClinVar:

ClinVar aggregate classification (germline): Uncertain significance (1 of 4 stars; one submission).

Allele frequency attached by ClinVar (database versions not stated): TOPMed 0.00001; gnomAD 0.00001.
gnomAD v4.1: 1 of 1,607,570 alleles (0.000062%); highest among the groups gnomAD compares: Non-Finnish European, 0.000085%; no homozygotes.

Submission:

Labcorp Genetics (formerly Invitae), Labcorp
Classification: Uncertain significance. Last evaluated: 2025-09-08. Review status: criteria provided, single submitter. Criteria: Invitae Variant Classification Sherloc (09022015). Collection method: clinical testing. Allele origin: germline.
Comment: This sequence change replaces leucine, which is neutral and non-polar, with valine, which is neutral and non-polar, at codon 641 of the DHX32 protein (p.Leu641Val). This variant is not present in population databases (gnomAD no frequency). This variant has not been reported in the literature in individuals affected with DHX32-related conditions. ClinVar contains an entry for this variant (Variation ID: 1953380). An algorithm developed to predict the effect of missense changes on protein structure and function (PolyPhen-2) suggests that this variant is likely to be disruptive. In summary, the available evidence is currently insufficient to determine the role of this variant in disease. Therefore, it has been classified as a Variant of Uncertain Significance.

NM_018180.3(DHX32):c.1921C>G (p.Leu641Val)

Genes: BCCIP (BRCA2 and CDKN1A interacting protein; plus strand), DHX32 (DEAH-box helicase 32 (putative); minus strand). Cytogenetic location: 10q26.2.
Variant type: single nucleotide variant.
Coding change: c.1921C>G on transcript NM_018180.3 (MANE Select); coding-DNA position 1921, C replaced by G.
Protein change: p.Leu641Val; replaces leucine 641 with valine.
Molecular consequence: missense variant. On other transcripts: intron variant (2).
Genome position (GRCh38, 1-based): chr10:125,838,348, G>C on the plus strand (C>G on the coding strand, the complement: DHX32 is on the minus strand). VCF-style: chr10-125838348-G-C. GRCh37 (hg19) VCF-style: chr10-127526917-G-C.
Other names: c.775-2907G>C (NM_016567.4, NM_078469.3); short protein forms L641V.
Identifiers: ClinVar variation 1953380 (VCV001953380.5), dbSNP rs917380408, ClinGen allele CA215328477.